The following is an entry in ClinVar:

NM_000179.3(MSH6):c.2258C>G (p.Ser753Cys)

Gene: MSH6 (mutS homolog 6; plus strand). Cytogenetic location: 2p16.3.
Variant type: single nucleotide variant.
Coding change: c.2258C>G on transcript NM_000179.3 (MANE Select); coding-DNA position 2258, C replaced by G.
Protein change: p.Ser753Cys; replaces serine 753 with cysteine.
Molecular consequence: missense variant.
Genome position (GRCh38, 1-based): chr2:47,800,241, C>G. VCF-style: chr2-47800241-C-G. GRCh37 (hg19) VCF-style: chr2-48027380-C-G.
Other names: c.1868C>G, p.Ser623Cys (NM_001281492.2); c.1352C>G, p.Ser451Cys (NM_001281493.2, NM_001281494.2); short protein forms S753C, S451C, S623C.
Identifiers: ClinVar variation 234218 (VCV000234218.72), dbSNP rs876660934, ClinGen allele CA10578102.

ClinVar aggregate classification (germline): Conflicting classifications of pathogenicity. Review status: criteria provided, conflicting classifications (1 of 4 stars). 11 submissions from 11 submitters: Uncertain significance (10); Likely benign (1). Last evaluated 2026-01-27.

Conditions:
Hereditary nonpolyposis colorectal neoplasms. Identifiers: MedGen C0009405, MeSH D003123.
Lynch syndrome. Identifiers: Orphanet 144, MedGen C4552100, MONDO:0005835. Disease mechanism: loss of function.
Hereditary cancer-predisposing syndrome. Also called: Hereditary Cancer Syndrome; Tumor predisposition; Hereditary neoplastic syndrome; Neoplastic Syndromes, Hereditary. Identifiers: Orphanet 140162, MedGen C0027672, MeSH D009386, MONDO:0015356.
Endometrial carcinoma. Also called: Endometrial carcinoma, somatic. Identifiers: MedGen C0476089, MONDO:0002447, OMIM 608089, HP:0012114.

Allele frequency attached by ClinVar (database versions not stated): TOPMed below 0.00001; gnomAD 0.00002.

Submissions (11):

Labcorp Genetics (formerly Invitae), Labcorp
Classification: Likely benign for Hereditary nonpolyposis colorectal neoplasms. Last evaluated: 2026-01-27. Review status: criteria provided, single submitter. Criteria: Invitae Variant Classification Sherloc (09022015). Collection method: clinical testing. Allele origin: germline.

Hema, HEMA – Genetic and Molecular Diagnostic Laboratory
Classification: Uncertain significance for Lynch syndrome. Last evaluated: 2025-03-20. Review status: criteria provided, single submitter. Criteria: HEMA Variant Classification Assertion Criteria. Collection method: clinical testing. Allele origin: germline.
Comment: It is a transversion from cytosine to guanine, resulting in the substitution of serine 753 of the MSH6 protein with cysteine. The frequency of the variant in the gnomAD v4.1.0 database is not sufficiently low to apply PM2_Supporting, nor is it sufficiently high to apply BS1. The prior probability of pathogenicity score MAPP/PP2 is not conclusive, preventing the application of PP3 or BP4. In the absence of further evidence, this variant is classified as a variant of uncertain significance.

Ambry Genetics
Classification: Uncertain significance for Hereditary cancer-predisposing syndrome. Last evaluated: 2024-12-02. Review status: criteria provided, single submitter. Criteria: Ambry Variant Classification Scheme 2023. Collection method: clinical testing. Allele origin: germline.
Comment: The p.S753C variant (also known as c.2258C>G), located in coding exon 4 of the MSH6 gene, results from a C to G substitution at nucleotide position 2258. The serine at codon 753 is replaced by cysteine, an amino acid with dissimilar properties. This amino acid position is well conserved in available vertebrate species. In addition, the in silico prediction for this alteration is inconclusive. Since supporting evidence is limited at this time, the clinical significance of this alteration remains unclear.

GeneDx
Classification: Uncertain significance. Last evaluated: 2024-07-12. Review status: criteria provided, single submitter. Criteria: GeneDx Variant Classification Process June 2021. Collection method: clinical testing. Allele origin: germline. Affected: yes.
Comment: Not observed at significant frequency in large population cohorts (gnomAD); In silico analysis supports that this missense variant has a deleterious effect on protein structure/function; Has not been previously published as pathogenic or benign to our knowledge; This variant is associated with the following publications: (PMID: 17531815, 21120944)

Color Diagnostics, LLC DBA Color Health
Classification: Uncertain significance for Hereditary cancer-predisposing syndrome. Last evaluated: 2024-03-26. Review status: criteria provided, single submitter. Criteria: ACMG Guidelines, 2015. Collection method: clinical testing. Allele origin: germline.
Comment: This missense variant replaces serine with cysteine at codon 753 of the MSH6 protein. Computational prediction is inconclusive regarding the impact of this variant on protein structure and function (internally defined REVEL score threshold 0.5 < inconclusive < 0.7, PMID: 27666373). To our knowledge, functional studies have not been reported for this variant. This variant has not been reported in individuals affected with MSH6-related disorders in the literature. This variant has not been identified in the general population by the Genome Aggregation Database (gnomAD). The available evidence is insufficient to determine the role of this variant in disease conclusively. Therefore, this variant is classified as a Variant of Uncertain Significance.

Baylor Genetics
Classification: Uncertain significance for Endometrial carcinoma. Last evaluated: 2024-03-06. Review status: criteria provided, single submitter. Criteria: ACMG Guidelines, 2015. Collection method: clinical testing. Allele origin: unknown.

All of Us Research Program, National Institutes of Health
Classification: Uncertain significance for Lynch syndrome. Last evaluated: 2023-04-27. Review status: criteria provided, single submitter. Criteria: ACMG Guidelines, 2015. Collection method: clinical testing. Allele origin: germline. Inheritance: Autosomal dominant inheritance. Observed: 1 variant allele, 1 heterozygote.
Comment: This missense variant replaces serine with cysteine at codon 753 of the MSH6 protein. Computational prediction is inconclusive regarding the impact of this variant on protein structure and function (internally defined REVEL score threshold 0.5 < inconclusive < 0.7, PMID: 27666373). To our knowledge, functional studies have not been performed for this variant. This variant has not been reported in individuals affected with hereditary cancer in the literature. This variant has not been identified in the general population by the Genome Aggregation Database (gnomAD). The available evidence is insufficient to determine the role of this variant in disease conclusively. Therefore, this variant is classified as a Variant of Uncertain Significance.

This study involves interpretation of variants in research participants for the purpose of population health screening. Participant phenotype was not available at the time of variant classification. Additional details can be found in publication PMID: 35346344, PMCID: PMC8962531

Blueprint Genetics
Classification: Uncertain significance. Last evaluated: 2022-03-17. Review status: criteria provided, single submitter. Criteria: ACMG Guidelines, 2015. Collection method: clinical testing. Allele origin: germline.

Quest Diagnostics Nichols Institute San Juan Capistrano
Classification: Uncertain significance. Last evaluated: 2020-01-27. Review status: criteria provided, single submitter. Criteria: Quest Diagnostics criteria. Collection method: clinical testing. Allele origin: unknown.

CeGaT Center for Human Genetics Tuebingen
Classification: Uncertain significance. Last evaluated: 2020-01-01. Review status: criteria provided, single submitter. Criteria: CeGaT Center For Human Genetics Tuebingen Variant Classification Criteria Version 2. Collection method: clinical testing. Allele origin: germline. Affected: yes. Observed: 1 variant allele.

Breakthrough Genomics
Classification: Uncertain significance. Review status: criteria provided, single submitter. Criteria: ACMG Guidelines, 2015. Collection method: not provided. Allele origin: germline. Inheritance: Autosomal recessive inheritance. Affected: yes.